The following is an entry in ClinVar:

ClinVar aggregate classification (germline): Uncertain significance (1 of 4 stars; one submission).

Conditions:
Propionic acidemia (PROP). Also called: GLYCINEMIA, KETOTIC; HYPERGLYCINEMIA WITH KETOACIDOSIS AND LEUKOPENIA; KETOTIC HYPERGLYCINEMIA. Identifiers: Orphanet 35, MedGen C0268579, MONDO:0011628, OMIM 606054, HP:0003571.

gnomAD v4.1: 4 of 1,523,238 alleles (0.00026%); highest among the groups gnomAD compares: Non-Finnish European, 0.00035%; no homozygotes.

Submission:

Labcorp Genetics (formerly Invitae), Labcorp
Classification: Uncertain significance for Propionic acidemia. Last evaluated: 2021-11-05. Review status: criteria provided, single submitter. Criteria: Invitae Variant Classification Sherloc (09022015). Collection method: clinical testing. Allele origin: germline.
Comment: This sequence change replaces proline, which is neutral and non-polar, with leucine, which is neutral and non-polar, at codon 10 of the PCCA protein (p.Pro10Leu). This variant is not present in population databases (gnomAD no frequency). This variant has not been reported in the literature in individuals affected with PCCA-related conditions. Advanced modeling of protein sequence and biophysical properties (such as structural, functional, and spatial information, amino acid conservation, physicochemical variation, residue mobility, and thermodynamic stability) performed at Invitae indicates that this missense variant is not expected to disrupt PCCA protein function. In summary, the available evidence is currently insufficient to determine the role of this variant in disease. Therefore, it has been classified as a Variant of Uncertain Significance.

NM_000282.4(PCCA):c.29C>T (p.Pro10Leu)

Gene: PCCA (propionyl-CoA carboxylase subunit alpha; plus strand). Cytogenetic location: 13q32.3.
Variant type: single nucleotide variant.
Coding change: c.29C>T on transcript NM_000282.4 (MANE Select); coding-DNA position 29, C replaced by T.
Protein change: p.Pro10Leu; replaces proline 10 with leucine.
Molecular consequence: missense variant. On other transcripts: 5 prime UTR variant (3), non-coding transcript variant (5).
Genome position (GRCh38, 1-based): chr13:100,089,149, C>T. VCF-style: chr13-100089149-C-T. GRCh37 (hg19) VCF-style: chr13-100741403-C-T.
Other names: c.29C>T, p.Pro10Leu (NM_001127692.3, NM_001178004.2, NM_001352605.2 and 4 more transcripts); c.-838C>T (NM_001352610.2, NM_001352611.2, NM_001352612.2); short protein forms P10L.
Identifiers: ClinVar variation 1448803 (VCV001448803.3), dbSNP rs1251572354, ClinGen allele CA388692634.